The following is an entry in ClinVar:

NM_000275.3(OCA2):c.1860G>C (p.Gly620=)

Gene: OCA2 (OCA2 melanosomal transmembrane protein; minus strand). Cytogenetic location: 15q13.1.
Variant type: single nucleotide variant.
Coding change: c.1860G>C on transcript NM_000275.3 (MANE Select); coding-DNA position 1860, G replaced by C.
Protein change: p.Gly620=; no amino-acid change (glycine 620 retained).
Molecular consequence: synonymous variant.
Genome position (GRCh38, 1-based): chr15:27,951,875, C>G on the plus strand (G>C on the coding strand, the complement: OCA2 is on the minus strand). VCF-style: chr15-27951875-C-G. GRCh37 (hg19) VCF-style: chr15-28197021-C-G.
Other names: c.1788G>C, p.Gly596= (NM_001300984.2).
Identifiers: ClinVar variation 1328518 (VCV001328518.3), dbSNP rs2140619474, ClinGen allele CA488959701.

ClinVar aggregate classification (germline): Likely pathogenic (1 of 4 stars; one submission).

Conditions:
Tyrosinase-positive oculocutaneous albinism (OCA2). Also called: Albinism, oculocutaneous, type II; ALBINISM II; Oculocutaneous albinism type 2. Identifiers: Orphanet 79432, MedGen C0268495, MONDO:0008746, OMIM 203200.

Submission:

Genome-Nilou Lab
Classification: Likely pathogenic for Tyrosinase-positive oculocutaneous albinism. Last evaluated: 2021-12-20. Review status: criteria provided, single submitter. Criteria: ACMG Guidelines, 2015. Collection method: clinical testing. Allele origin: germline. Inheritance: Autosomal recessive inheritance. Affected: yes. Observed: 1 heterozygote, 3 homozygotes.
Comment: We found this variant in three brothers with oculocutaneous albinism at homozygous state. Sanger sequencing method confirmed the result.